The following is an entry in ClinVar:

NM_003384.3(VRK1):c.287-8_287-7delinsTA

Gene: VRK1 (VRK serine/threonine kinase 1; plus strand). Cytogenetic location: 14q32.2.
Variant type: Indel.
Coding change: c.287-8_287-7delinsTA on transcript NM_003384.3 (MANE Select); 8 bases into the intron before coding-DNA position 287 through 7 bases into the intron before coding-DNA position 287, AT replaced by TA.
Molecular consequence: intron variant.
Genome position (GRCh38, 1-based): chr14:96,847,249-96,847,250, AT replaced by TA. VCF-style: chr14-96847249-AT-TA. GRCh37 (hg19) VCF-style: chr14-97313586-AT-TA.
Identifiers: ClinVar variation 422083 (VCV000422083.11), dbSNP rs1064795545, ClinGen allele CA16619899.

ClinVar aggregate classification (germline): Likely benign. Review status: criteria provided, multiple submitters, no conflicts (2 of 4 stars). 2 submissions from 2 submitters: Likely benign (2). Last evaluated 2024-03-13.

Conditions:
Pontocerebellar hypoplasia type 1A (PCH1A). Also called: PONTOCEREBELLAR HYPOPLASIA WITH ANTERIOR HORN CELL DISEASE; PONTOCEREBELLAR HYPOPLASIA WITH INFANTILE SPINAL MUSCULAR ATROPHY. Identifiers: Orphanet 2254, Orphanet 88616, MedGen C1843504, MONDO:0011866, OMIM 607596.

Submissions (2):

Labcorp Genetics (formerly Invitae), Labcorp
Classification: Likely benign for Pontocerebellar hypoplasia type 1A. Last evaluated: 2024-03-13. Review status: criteria provided, single submitter. Criteria: Invitae Variant Classification Sherloc (09022015). Collection method: clinical testing. Allele origin: germline.

GeneDx
Classification: Likely benign. Last evaluated: 2016-08-31. Review status: criteria provided, single submitter. Criteria: GeneDx Variant Classification (06012015). Collection method: clinical testing. Allele origin: germline. Affected: yes.
Comment: This variant is considered likely benign or benign based on one or more of the following criteria: it is a conservative change, it occurs at a poorly conserved position in the protein, it is predicted to be benign by multiple in silico algorithms, and/or has population frequency not consistent with disease.